The following is an entry in ClinVar:

NM_139276.3(STAT3):c.785G>A (p.Arg262Gln)

Genes: STAT3 (signal transducer and activator of transcription 3; minus strand), LOC130060888 (ATAC-STARR-seq lymphoblastoid active region 12197; plus strand). Cytogenetic location: 17q21.2.
Variant type: single nucleotide variant.
Coding change: c.785G>A on transcript NM_139276.3 (MANE Select); coding-DNA position 785, G replaced by A.
Protein change: p.Arg262Gln; replaces arginine 262 with glutamine.
Molecular consequence: missense variant.
Genome position (GRCh38, 1-based): chr17:42,337,447, C>T on the plus strand (G>A on the coding strand, the complement: STAT3 is on the minus strand). VCF-style: chr17-42337447-C-T. GRCh37 (hg19) VCF-style: chr17-40489465-C-T.
Other names: p.Arg262Gln; c.785G>A, p.Arg262Gln (NM_001369512.1, NM_001369513.1, NM_001369514.1 and 7 more transcripts); short protein forms R262Q.
Identifiers: ClinVar variation 853869 (VCV000853869.11), dbSNP rs1451984094, ClinGen allele CA399592836.

ClinVar aggregate classification (germline): Conflicting classifications of pathogenicity. Review status: criteria provided, conflicting classifications (1 of 4 stars). 2 submissions from 2 submitters: Uncertain significance (1); Likely benign (1). Last evaluated 2024-12-02.

Conditions:
Hyper-IgE recurrent infection syndrome 1, autosomal dominant. Also called: Hyper-IgE recurrent infection syndrome 1; HYPER-IgE SYNDROME 1, AUTOSOMAL DOMINANT, WITH RECURRENT INFECTIONS; JOB SYNDROME; Job's Syndrome; STAT3 Hyper IgE Syndrome. Identifiers: Orphanet 2314, MedGen C2936739, MONDO:0007818, OMIM 147060.
STAT3 gain of function. Identifiers: MedGen C4288261.

Allele frequency attached by ClinVar (database versions not stated): gnomAD exomes below 0.00001.
gnomAD v4.1: 3 of 1,613,946 alleles (0.00019%); highest among the groups gnomAD compares: East Asian, 0.0022%; no homozygotes.

Submissions (2):

Labcorp Genetics (formerly Invitae), Labcorp
Classification: Likely benign for STAT3 gain of function; Hyper-IgE recurrent infection syndrome 1, autosomal dominant. Last evaluated: 2024-12-02. Review status: criteria provided, single submitter. Criteria: Invitae Variant Classification Sherloc (09022015). Collection method: clinical testing. Allele origin: germline.

Mayo Clinic Laboratories, Mayo Clinic
Classification: Uncertain significance. Last evaluated: 2023-04-19. Review status: criteria provided, single submitter. Criteria: ACMG Guidelines, 2015. Collection method: clinical testing. Allele origin: germline. Observed: 1 variant allele.
Comment: PP2